The following is an entry in ClinVar:

ClinVar aggregate classification (germline): Uncertain significance (1 of 4 stars; one submission).

Allele frequency attached by ClinVar (database versions not stated): gnomAD 0.00001.
gnomAD v4.1: 1 of 1,613,864 alleles (0.000062%); no homozygotes.

Submission:

GeneDx
Classification: Uncertain significance. Last evaluated: 2023-12-11. Review status: criteria provided, single submitter. Criteria: GeneDx Variant Classification Process June 2021. Collection method: clinical testing. Allele origin: germline. Affected: yes.
Comment: Not observed at significant frequency in large population cohorts (gnomAD); In silico analysis supports that this missense variant has a deleterious effect on protein structure/function; Has not been previously published as pathogenic or benign to our knowledge

NM_005826.5(HNRNPR):c.584G>C (p.Arg195Pro)

Gene: HNRNPR (heterogeneous nuclear ribonucleoprotein R; minus strand). Cytogenetic location: 1p36.12.
Variant type: single nucleotide variant.
Coding change: c.584G>C on transcript NM_005826.5 (MANE Select); coding-DNA position 584, G replaced by C.
Protein change: p.Arg195Pro; replaces arginine 195 with proline.
Molecular consequence: missense variant. On other transcripts: intron variant (1).
Genome position (GRCh38, 1-based): chr1:23,323,647, C>G on the plus strand (G>C on the coding strand, the complement: HNRNPR is on the minus strand). VCF-style: chr1-23323647-C-G. GRCh37 (hg19) VCF-style: chr1-23650140-C-G.
Other names: c.281G>C, p.Arg94Pro (NM_001102397.3, NM_001102399.3); c.584G>C, p.Arg195Pro (NM_001102398.3); c.470G>C, p.Arg157Pro (NM_001297620.2); c.167G>C, p.Arg56Pro (NM_001297622.2); c.196-1984G>C (NM_001297621.2); short protein forms R157P, R195P, R56P, R94P.
Identifiers: ClinVar variation 3253107 (VCV003253107.1), dbSNP rs1645843391.